The following is an entry in ClinVar:

NM_032892.5(FRMD5):c.1369GAG[2] (p.Glu459del)

Gene: FRMD5 (FERM domain containing 5; minus strand). Cytogenetic location: 15q15.3.
Variant type: Microsatellite.
Coding change: c.1369GAG[2] on transcript NM_032892.5 (MANE Select); two copies in a row of the 3-base unit GAG starting at c.1369; the reference has three copies in a row; one copy, 3 bases deleted; also written c.1375_1377del.
Protein change: p.Glu459del; deletes glutamic acid 459.
Molecular consequence: inframe deletion. On other transcripts: non-coding transcript variant (1).
Genome position (GRCh38, 1-based): chr15:43,874,221-43,874,223, CTC deleted on the plus strand (GAG on the coding strand, the reverse complement: FRMD5 is on the minus strand); deleting any 3 consecutive bases within chr15:43,874,221-43,874,229 gives the same sequence; the position shown is the placement nearest the transcript's 3' end. VCF-style (leftmost placement, unchanged base first): chr15-43874220-TCTC-T. GRCh37 (hg19) VCF-style: chr15-44166418-TCTC-T.
Other names: c.1087GAG[2], p.Glu365del (NM_001286490.2); c.667GAG[2], p.Glu225del (NM_001286491.2); c.1369GAG[2], p.Glu459del (NM_001322949.2, NM_001322950.2, NM_001411124.1); c.1264GAG[2], p.Glu424del (NM_001322951.2); c.1375_1377del (NM_032892.5); short protein forms E225del, E365del, E424del, E459del.
Identifiers: ClinVar variation 4884045 (VCV004884045.2).
Genomic context (GRCh38, chr15:43,874,220, plus strand): 5'-TCAGCTCTCCCCCAAGGGCCTCCACCTCTGTAGCAGTTGGGGTGCTGGCTTCAGATTCCT[TCTC>T]CTCCTCAATGCTGCAGGTGGCTCCATTGATCTGCCGGGAAAGCAACATCAGCTCCAGGCT-3'

ClinVar aggregate classification (germline): Uncertain significance (1 of 4 stars; one submission).

Submission:

Dasa
Classification: Uncertain significance. Last evaluated: 2026-03-05. Review status: criteria provided, single submitter. Criteria: DASA Assertion Criteria. Collection method: clinical testing. Allele origin: germline.
Comment: NM_032892.5(FRMD5):c.1375_1377del (p.Glu459del) is an in-frame deletion predicted to remove glutamic acid at protein position 459 without shifting the reading frame. This variant is rare in population databases. The currently available literature and clinical evidence are not sufficient to establish a definitive association between this variant and the reported condition. Therefore, this variant is classified as a variant of uncertain significance.